The following is an entry in ClinVar:

ClinVar aggregate classification (germline): Likely benign. Review status: criteria provided, multiple submitters, no conflicts (2 of 4 stars). 5 submissions from 5 submitters: Likely benign (5). Last evaluated 2026-08-05.

Conditions:
ACVRL1-related disorder. Also called: ACVRL1-related disorders; ACVRL1-related condition.
Cardiovascular phenotype. Identifiers: MedGen CN230736.
Telangiectasia, hereditary hemorrhagic, type 2 (HHT2). Also called: ACVRL1-Related Hereditary Hemorrhagic Telangiectasia; Telangiectasia, hereditary hemorrhagic, type II. Identifiers: Orphanet 774, MedGen C1838163, MONDO:0010880, OMIM 600376. Disease mechanism: loss of function.

Allele frequency attached by ClinVar (database versions not stated): gnomAD 0.00002 and 0.00003; gnomAD exomes 0.00002 and 0.00004; TOPMed 0.00002; ExAC 0.00005.
gnomAD v4.1: 39 of 1,613,878 alleles (0.0024%); highest among the groups gnomAD compares: Non-Finnish European, 0.0031%; no homozygotes.

Submissions (5):

PreventionGenetics, part of Exact Sciences
Classification: Likely benign for ACVRL1-related condition. Last evaluated: 2026-08-05. Review status: criteria provided, single submitter. Criteria: ACMG Guidelines, 2015. Collection method: clinical testing. Allele origin: germline.
Comment: This variant is classified as likely benign based on ACMG/AMP sequence variant interpretation guidelines (Richards et al. 2015 PMID: 25741868, with internal and published modifications).

Labcorp Genetics (formerly Invitae), Labcorp
Classification: Likely benign for Telangiectasia, hereditary hemorrhagic, type 2. Last evaluated: 2025-12-01. Review status: criteria provided, single submitter. Criteria: Invitae Variant Classification Sherloc (09022015). Collection method: clinical testing. Allele origin: germline.

Blueprint Genetics
Classification: Likely benign. Last evaluated: 2024-11-01. Review status: criteria provided, single submitter. Criteria: ACMG Guidelines, 2015. Collection method: clinical testing. Allele origin: germline.

CeGaT Center for Human Genetics Tuebingen
Classification: Likely benign. Last evaluated: 2023-12-01. Review status: criteria provided, single submitter. Criteria: CeGaT Center For Human Genetics Tuebingen Variant Classification Criteria Version 2. Collection method: clinical testing. Allele origin: germline. Affected: yes. Observed: 1 variant allele.
Comment: ACVRL1: BP4, BP7

Ambry Genetics
Classification: Likely benign for Cardiovascular phenotype. Last evaluated: 2022-05-30. Review status: criteria provided, single submitter. Criteria: Ambry Variant Classification Scheme 2023. Collection method: clinical testing. Allele origin: germline.

NM_000020.3(ACVRL1):c.933G>A (p.Ala311=)

Gene: ACVRL1 (activin A receptor like type 1; plus strand). Cytogenetic location: 12q13.13.
Variant type: single nucleotide variant.
Coding change: c.933G>A on transcript NM_000020.3 (MANE Select); coding-DNA position 933, G replaced by A.
Protein change: p.Ala311=; no amino-acid change (alanine 311 retained).
Molecular consequence: synonymous variant.
Genome position (GRCh38, 1-based): chr12:51,915,385, G>A. VCF-style: chr12-51915385-G-A. GRCh37 (hg19) VCF-style: chr12-52309169-G-A.
Other names: c.933G>A, p.Ala311= (NM_001077401.2).
Identifiers: ClinVar variation 1579872 (VCV001579872.34), dbSNP rs779758131, ClinGen allele CA6573022.